The following is an entry in ClinVar:

NM_001903.5(CTNNA1):c.1888C>G (p.Leu630Val)

Gene: CTNNA1 (catenin alpha 1; plus strand). Cytogenetic location: 5q31.2.
Variant type: single nucleotide variant.
Coding change: c.1888C>G on transcript NM_001903.5 (MANE Select); coding-DNA position 1888, C replaced by G.
Protein change: p.Leu630Val; replaces leucine 630 with valine.
Molecular consequence: missense variant.
Genome position (GRCh38, 1-based): chr5:138,925,396, C>G. VCF-style: chr5-138925396-C-G. GRCh37 (hg19) VCF-style: chr5-138261085-C-G.
Other names: c.1795C>G, p.Leu599Val (NM_001323986.2); c.778C>G, p.Leu260Val (NM_001323987.1, NM_001323988.1, NM_001323989.1 and 17 more transcripts); c.1888C>G, p.Leu630Val (NM_001290307.3, NM_001323982.2, NM_001323983.1 and 2 more transcripts); c.1579C>G, p.Leu527Val (NM_001290309.3); c.1519C>G, p.Leu507Val (NM_001290310.3); c.439C>G, p.Leu147Val (NM_001324006.1, NM_001324007.1, NM_001324008.1 and 2 more transcripts); c.685C>G, p.Leu229Val (NM_001324011.1); c.535C>G, p.Leu179Val (NM_001324012.1, NM_001324013.1); short protein forms L229V, L630V, L179V, L507V, L147V, L260V, L527V, L599V.
Identifiers: ClinVar variation 2742647 (VCV002742647.3), dbSNP rs2150295907, ClinGen allele CA361132427.

ClinVar aggregate classification (germline): Uncertain significance (1 of 4 stars; one submission).

Allele frequency attached by ClinVar (database versions not stated): gnomAD exomes below 0.00001.
gnomAD v4.1: 2 of 1,614,076 alleles (0.00012%); highest among the groups gnomAD compares: Non-Finnish European, 0.00017%; no homozygotes.

Submission:

Labcorp Genetics (formerly Invitae), Labcorp
Classification: Uncertain significance. Last evaluated: 2025-12-09. Review status: criteria provided, single submitter. Criteria: Invitae Variant Classification Sherloc (09022015). Collection method: clinical testing. Allele origin: germline.
Comment: This sequence change replaces leucine, which is neutral and non-polar, with valine, which is neutral and non-polar, at codon 630 of the CTNNA1 protein (p.Leu630Val). This variant is not present in population databases (gnomAD no frequency). This variant has not been reported in the literature in individuals affected with CTNNA1-related conditions. ClinVar contains an entry for this variant (Variation ID: 2742647). Invitae Evidence Modeling of protein sequence and biophysical properties (such as structural, functional, and spatial information, amino acid conservation, physicochemical variation, residue mobility, and thermodynamic stability) indicates that this missense variant is not expected to disrupt CTNNA1 protein function with a negative predictive value of 80%. In summary, the available evidence is currently insufficient to determine the role of this variant in disease. Therefore, it has been classified as a Variant of Uncertain Significance.